The following is an entry in ClinVar:

ClinVar aggregate classification (germline): Uncertain significance (1 of 4 stars; one submission).

Conditions:
Autoimmune interstitial lung disease-arthritis syndrome. Also called: Autoinflammation and autoimmunity, systemic, with immune dysregulation. Identifiers: Orphanet 444092, MedGen C5975714, MONDO:0014629.

Submission:

Labcorp Genetics (formerly Invitae), Labcorp
Classification: Uncertain significance for Autoimmune interstitial lung disease-arthritis syndrome. Last evaluated: 2020-12-03. Review status: criteria provided, single submitter. Criteria: Invitae Variant Classification Sherloc (09022015). Collection method: clinical testing. Allele origin: germline.
Comment: This variant is not present in population databases (ExAC no frequency). Advanced modeling of protein sequence and biophysical properties (such as structural, functional, and spatial information, amino acid conservation, physicochemical variation, residue mobility, and thermodynamic stability) performed at Invitae indicates that this missense variant is not expected to disrupt COPA protein function. This variant has not been reported in the literature in individuals with COPA-related conditions. This sequence change replaces threonine with isoleucine at codon 98 of the COPA protein (p.Thr98Ile). The threonine residue is highly conserved and there is a moderate physicochemical difference between threonine and isoleucine. In summary, the available evidence is currently insufficient to determine the role of this variant in disease. Therefore, it has been classified as a Variant of Uncertain Significance.

NM_004371.4(COPA):c.293C>T (p.Thr98Ile)

Gene: COPA (coat protein complex I subunit alpha; minus strand). Cytogenetic location: 1q23.2.
Variant type: single nucleotide variant.
Coding change: c.293C>T on transcript NM_004371.4 (MANE Select); coding-DNA position 293, C replaced by T.
Protein change: p.Thr98Ile; replaces threonine 98 with isoleucine.
Molecular consequence: missense variant.
Genome position (GRCh38, 1-based): chr1:160,335,258, G>A on the plus strand (C>T on the coding strand, the complement: COPA is on the minus strand). VCF-style: chr1-160335258-G-A. GRCh37 (hg19) VCF-style: chr1-160305048-G-A.
Other names: c.293C>T, p.Thr98Ile (NM_001098398.2); short protein forms T98I.
Identifiers: ClinVar variation 1352880 (VCV001352880.8), dbSNP rs2101874699, ClinGen allele CA343271380.